The following is an entry in ClinVar:

ClinVar aggregate classification (germline): Benign (0 of 4 stars; one submission).

Conditions:
AMBN-related disorder. Also called: AMBN-related condition.

Allele frequency attached by ClinVar (database versions not stated): gnomAD exomes 0.09353; ExAC 0.14008; gnomAD 0.23386; ESP Exome Variant Server 0.23459; TOPMed 0.24950; 1000 Genomes Project 0.27576; 1000 Genomes Project 30x 0.28357.

Submission:

PreventionGenetics, part of Exact Sciences
Classification: Benign for AMBN-related condition. Last evaluated: 2024-03-13. Review status: no assertion criteria provided. Collection method: clinical testing. Allele origin: germline.
Comment: This variant is classified as benign based on ACMG/AMP sequence variant interpretation guidelines (Richards et al. 2015 PMID: 25741868, with internal and published modifications).

NM_016519.6(AMBN):c.1323A>G (p.Ala441=)

Gene: AMBN (ameloblastin; plus strand). Cytogenetic location: 4q13.3.
Variant type: single nucleotide variant.
Coding change: c.1323A>G on transcript NM_016519.6 (MANE Select); coding-DNA position 1323, A replaced by G.
Protein change: p.Ala441=; no amino-acid change (alanine 441 retained).
Molecular consequence: synonymous variant.
Genome position (GRCh38, 1-based): chr4:70,606,709, A>G. VCF-style: chr4-70606709-A-G. GRCh37 (hg19) VCF-style: chr4-71472426-A-G.
Identifiers: ClinVar variation 3059474 (VCV003059474.2), dbSNP rs7680880, ClinGen allele CA2951692.